The following is an entry in ClinVar:

NM_080552.3(SLC32A1):c.350C>A (p.Thr117Lys)

Gene: SLC32A1 (solute carrier family 32 member 1; plus strand). Cytogenetic location: 20q11.23.
Variant type: single nucleotide variant.
Coding change: c.350C>A on transcript NM_080552.3 (MANE Select); coding-DNA position 350, C replaced by A.
Protein change: p.Thr117Lys; replaces threonine 117 with lysine.
Molecular consequence: missense variant.
Genome position (GRCh38, 1-based): chr20:38,725,074, C>A. VCF-style: chr20-38725074-C-A. GRCh37 (hg19) VCF-style: chr20-37353717-C-A.
Other names: short protein forms T117K.
Identifiers: ClinVar variation 3769739 (VCV003769739.1).
Genomic context (GRCh38, chr20:38,725,074, plus strand): 5'-GCTCCAAGGACCAGGTGGGAGGTGGTGGCGAATTCGGGGGCCACGACAAGCCCAAAATCA[C>A]GGCGTGGGAGGCAGGCTGGAACGTGACCAACGCCATCCAGGTAAGCGCGGGATTCCCAGT-3'
Protein context (NP_542119.1, residues 107-127): EFGGHDKPKI[Thr117Lys]AWEAGWNVTN

ClinVar aggregate classification (germline): Uncertain significance (1 of 4 stars; one submission).

Submission:

GeneDx
Classification: Uncertain significance. Last evaluated: 2024-09-17. Review status: criteria provided, single submitter. Criteria: GeneDx Variant Classification Process June 2021. Collection method: clinical testing. Allele origin: germline. Affected: yes.
Comment: Not observed at significant frequency in large population cohorts (gnomAD); In silico analysis indicates that this missense variant does not alter protein structure/function; Has not been previously published as pathogenic or benign to our knowledge